The following is an entry in ClinVar:

ClinVar aggregate classification (germline): Uncertain significance (1 of 4 stars; one submission).

Allele frequency attached by ClinVar (database versions not stated): gnomAD exomes below 0.00001; TOPMed 0.00001.
gnomAD v4.1: 1 of 1,599,620 alleles (0.000063%); highest among the groups gnomAD compares: Non-Finnish European, 0.000085%; no homozygotes.

Submission:

GeneDx
Classification: Uncertain significance. Last evaluated: 2021-01-12. Review status: criteria provided, single submitter. Criteria: GeneDx Variant Classification Process June 2021. Collection method: clinical testing. Allele origin: germline. Affected: yes.
Comment: Not observed in large population cohorts (Lek et al., 2016); In silico analysis supports that this missense variant has a deleterious effect on protein structure/function; Has not been previously published as pathogenic or benign to our knowledge

NM_004522.3(KIF5C):c.362A>G (p.Tyr121Cys)

Gene: KIF5C (kinesin family member 5C; plus strand). Cytogenetic location: 2q23.1.
Variant type: single nucleotide variant.
Coding change: c.362A>G on transcript NM_004522.3 (MANE Select); coding-DNA position 362, A replaced by G.
Protein change: p.Tyr121Cys; replaces tyrosine 121 with cysteine.
Molecular consequence: missense variant.
Genome position (GRCh38, 1-based): chr2:148,937,354, A>G. VCF-style: chr2-148937354-A-G. GRCh37 (hg19) VCF-style: chr2-149793868-A-G.
Other names: short protein forms Y121C.
Identifiers: ClinVar variation 1313996 (VCV001313996.2), dbSNP rs1682312340, ClinGen allele CA348728787.